The following is an entry in ClinVar:

NM_001042492.3(NF1):c.6369T>G (p.His2123Gln)

Gene: NF1 (neurofibromin 1; plus strand). Cytogenetic location: 17q11.2.
Variant type: single nucleotide variant.
Coding change: c.6369T>G on transcript NM_001042492.3 (MANE Select); coding-DNA position 6369, T replaced by G.
Protein change: p.His2123Gln; replaces histidine 2123 with glutamine.
Molecular consequence: missense variant.
Genome position (GRCh38, 1-based): chr17:31,336,856, T>G. VCF-style: chr17-31336856-T-G. GRCh37 (hg19) VCF-style: chr17-29663874-T-G.
Other names: c.6306T>G, p.His2102Gln (NM_000267.4); short protein forms H2102Q, H2123Q.
Identifiers: ClinVar variation 3237872 (VCV003237872.1), dbSNP rs1597843123.

ClinVar aggregate classification (germline): Uncertain significance (1 of 4 stars; one submission).

Conditions:
Hereditary cancer-predisposing syndrome. Also called: Neoplastic Syndromes, Hereditary; Tumor predisposition; Hereditary neoplastic syndrome; Hereditary Cancer Syndrome. Identifiers: Orphanet 140162, MedGen C0027672, MeSH D009386, MONDO:0015356.
Cardiovascular phenotype. Identifiers: MedGen CN230736.

Submission:

Ambry Genetics
Classification: Uncertain significance for Cardiovascular phenotype; Hereditary cancer-predisposing syndrome. Last evaluated: 2023-10-12. Review status: criteria provided, single submitter. Criteria: Ambry Variant Classification Scheme 2023. Collection method: clinical testing. Allele origin: germline.
Comment: The p.H2102Q variant (also known as c.6306T>G), located in coding exon 41 of the NF1 gene, results from a T to G substitution at nucleotide position 6306. The histidine at codon 2102 is replaced by glutamine, an amino acid with highly similar properties. This amino acid position is conserved. In addition, this alteration is predicted to be deleterious by in silico analysis. Since supporting evidence is limited at this time, the clinical significance of this alteration remains unclear.